The following is an entry in ClinVar:

ClinVar aggregate classification (germline): Uncertain significance. Review status: criteria provided, multiple submitters, no conflicts (2 of 4 stars). 3 submissions from 3 submitters: Uncertain significance (3). Last evaluated 2022-04-12.

Conditions:
Inborn genetic diseases. Identifiers: MedGen C0950123, MeSH D030342.
Focal segmental glomerulosclerosis 5 (FSGS5). Identifiers: Orphanet 656, MedGen C2750475, MONDO:0013191, OMIM 613237.
Charcot-Marie-Tooth disease dominant intermediate E. Also called: CHARCOT-MARIE-TOOTH NEUROPATHY WITH FOCAL SEGMENTAL GLOMERULONEPHRITIS. Identifiers: Orphanet 93114, MedGen C4302667, MONDO:0013758, OMIM 614455.

Allele frequency attached by ClinVar (database versions not stated): TOPMed 0.00001.
gnomAD v4.1: 5 of 1,612,596 alleles (0.00031%); highest among the groups gnomAD compares: Admixed American, 0.0083%; no homozygotes.

Submissions (3):

Fulgent Genetics
Classification: Uncertain significance for Focal segmental glomerulosclerosis 5; Charcot-Marie-Tooth disease dominant intermediate E. Last evaluated: 2022-04-12. Review status: criteria provided, single submitter. Criteria: ACMG Guidelines, 2015. Collection method: clinical testing. Allele origin: unknown.

Ambry Genetics
Classification: Uncertain significance for Inborn genetic diseases. Last evaluated: 2021-09-16. Review status: criteria provided, single submitter. Criteria: Ambry Variant Classification Scheme 2023. Collection method: clinical testing. Allele origin: germline.

GeneDx
Classification: Uncertain significance. Last evaluated: 2016-01-29. Review status: criteria provided, single submitter. Criteria: GeneDx Variant Classification (06012015). Collection method: clinical testing. Allele origin: germline. Affected: yes.
Comment: The T909K variant in the INF2 gene has not been reported previously as a pathogenic variant, nor as a benign variant, to our knowledge. The T909K variant was not observed in approximately 6300 individuals of European and African American ancestry in the NHLBI Exome Sequencing Project, indicating it is not a common benign variant in these populations. The T909K variant is a semi-conservative amino acid substitution, which may impact secondary protein structure as these residues differ in some properties. However, this substitution occurs at a position that is not conserved. In silico analysis is inconsistent in its predictions as to whether or not the variant is damaging to the protein structure/function. We interpret T909K as a variant of uncertain significance.

NM_022489.4(INF2):c.2726C>A (p.Thr909Lys)

Gene: INF2 (inverted formin 2; plus strand). Cytogenetic location: 14q32.33.
Variant type: single nucleotide variant.
Coding change: c.2726C>A on transcript NM_022489.4 (MANE Select); coding-DNA position 2726, C replaced by A.
Protein change: p.Thr909Lys; replaces threonine 909 with lysine.
Molecular consequence: missense variant.
Genome position (GRCh38, 1-based): chr14:104,712,943, C>A. VCF-style: chr14-104712943-C-A. GRCh37 (hg19) VCF-style: chr14-105179280-C-A.
Other names: c.2726C>A, p.Thr909Lys (NM_001031714.4); short protein forms T909K.
Identifiers: ClinVar variation 246262 (VCV000246262.5), dbSNP rs201336550, ClinGen allele CA7373047.